The following is an entry in ClinVar:

NM_201384.3(PLEC):c.10528A>G (p.Lys3510Glu)

Gene: PLEC (plectin; minus strand). Cytogenetic location: 8q24.3.
Variant type: single nucleotide variant.
Coding change: c.10528A>G on transcript NM_201384.3 (MANE Select); coding-DNA position 10528, A replaced by G.
Protein change: p.Lys3510Glu; replaces lysine 3510 with glutamic acid.
Molecular consequence: missense variant.
Genome position (GRCh38, 1-based): chr8:143,919,293, T>C on the plus strand (A>G on the coding strand, the complement: PLEC is on the minus strand). VCF-style: chr8-143919293-T-C. GRCh37 (hg19) VCF-style: chr8-144993461-T-C.
Other names: c.10609A>G, p.Lys3537Glu (NM_000445.5); c.10486A>G, p.Lys3496Glu (NM_201378.4); c.10462A>G, p.Lys3488Glu (NM_201379.3); c.10939A>G, p.Lys3647Glu (NM_201380.4); c.10432A>G, p.Lys3478Glu (NM_201381.3); c.10528A>G, p.Lys3510Glu (NM_201382.4); c.10540A>G, p.Lys3514Glu (NM_201383.3); short protein forms K3496E, K3514E, K3647E, K3478E, K3488E, K3510E, K3537E.
Identifiers: ClinVar variation 1417015 (VCV001417015.8), dbSNP rs2130982633, ClinGen allele CA372498028.
Genomic context (GRCh38, chr8:143,919,293, plus strand): 5'-ACCGCTCCAGCAGCTGCCTGTACGTGAGGTTCTCATGCGTGTTGGGGTCAAAGAAGCCCT[T>C]GGTGTCGTCGCTGGGGTCCGCCAGGACGCGGTTCATCTCCTCACTGAAGTAGCCGCGCTG-3'
Protein context (NP_958786.1, residues 3500-3520): RVLADPSDDT[Lys3510Glu]GFFDPNTHEN

ClinVar aggregate classification (germline): Uncertain significance (1 of 4 stars; one submission).

Conditions:
Epidermolysis bullosa simplex 5B, with muscular dystrophy (EBS5B). Also called: EPIDERMOLYSIS BULLOSA SIMPLEX AND LIMB-GIRDLE MUSCULAR DYSTROPHY; Epidermolysis bullosa simplex with muscular dystrophy. Identifiers: Orphanet 257, MedGen C2931072, MONDO:0009181, OMIM 226670.
Epidermolysis bullosa simplex, Ogna type (EBS5A). Also called: EPIDERMOLYSIS BULLOSA SIMPLEX 5A, OGNA TYPE; Pidermolysis bullosa simplex 5A, Ogna type. Identifiers: Orphanet 79401, MedGen C0432317, MONDO:0007555, OMIM 131950.
Epidermolysis bullosa simplex with nail dystrophy (EBS5D). Identifiers: MedGen C4225309, MONDO:0014661, OMIM 616487.
Autosomal recessive limb-girdle muscular dystrophy type 2Q (LGMDR17). Also called: MUSCULAR DYSTROPHY, LIMB-GIRDLE, AUTOSOMAL RECESSIVE 17. Identifiers: Orphanet 254361, MedGen C3150989, MONDO:0013390, OMIM 613723.
Epidermolysis bullosa simplex 5C, with pyloric atresia (EBS5C). Also called: Epidermolysis bullosa simplex with pyloric atresia; PLEC-Related Epidermolysis Bullosa with Pyloric Atresia; PLEC1-Related Epidermolysis Bullosa with Pyloric Atresia. Identifiers: Orphanet 158684, MedGen C2677349, MONDO:0012807, OMIM 612138.

Submission:

Labcorp Genetics (formerly Invitae), Labcorp
Classification: Uncertain significance for Autosomal recessive limb-girdle muscular dystrophy type 2Q; Epidermolysis bullosa simplex, Ogna type; Epidermolysis bullosa simplex with nail dystrophy; Epidermolysis bullosa simplex 5C, with pyloric atresia; Epidermolysis bullosa simplex 5B, with muscular dystrophy. Last evaluated: 2021-03-30. Review status: criteria provided, single submitter. Criteria: Invitae Variant Classification Sherloc (09022015). Collection method: clinical testing. Allele origin: germline.
Comment: This variant has not been reported in the literature in individuals with PLEC-related conditions. In summary, the available evidence is currently insufficient to determine the role of this variant in disease. Therefore, it has been classified as a Variant of Uncertain Significance. Algorithms developed to predict the effect of missense changes on protein structure and function (SIFT, PolyPhen-2, Align-GVGD) all suggest that this variant is likely to be disruptive, but these predictions have not been confirmed by published functional studies and their clinical significance is uncertain. This variant is not present in population databases (ExAC no frequency). This sequence change replaces lysine with glutamic acid at codon 3537 of the PLEC protein (p.Lys3537Glu). The lysine residue is highly conserved and there is a small physicochemical difference between lysine and glutamic acid.